The following is an entry in ClinVar:

ClinVar aggregate classification (germline): Likely benign (1 of 4 stars; one submission).

gnomAD v4.1: 6 of 1,614,052 alleles (0.00037%); highest among the groups gnomAD compares: Admixed American, 0.01%; no homozygotes.

Submission:

CeGaT Center for Human Genetics Tuebingen
Classification: Likely benign. Last evaluated: 2026-06-01. Review status: criteria provided, single submitter. Criteria: CeGaT Center For Human Genetics Tuebingen Variant Classification Criteria Version 2. Collection method: clinical testing. Allele origin: germline. Affected: yes. Observed: 1 variant allele.
Comment: KDM6B: BP4, BP7

NM_001348716.2(KDM6B):c.4728C>T (p.Asn1576=)

Gene: KDM6B (lysine demethylase 6B; plus strand). Cytogenetic location: 17p13.1.
Variant type: single nucleotide variant.
Coding change: c.4728C>T on transcript NM_001348716.2 (MANE Select); coding-DNA position 4728, C replaced by T.
Protein change: p.Asn1576=; no amino-acid change (asparagine 1576 retained).
Molecular consequence: synonymous variant.
Genome position (GRCh38, 1-based): chr17:7,853,117, C>T. VCF-style: chr17-7853117-C-T. GRCh37 (hg19) VCF-style: chr17-7756435-C-T.
Other names: c.4728C>T, p.Asn1576= (NM_001080424.2).
Identifiers: ClinVar variation 4873606 (VCV004873606.2).